The following is an entry in ClinVar:

ClinVar aggregate classification (germline): Uncertain significance (1 of 4 stars; one submission).

Conditions:
Familial adenomatous polyposis 1 (FAP1). Also called: FAMILIAL ADENOMATOUS POLYPOSIS 1, ATTENUATED; POLYPOSIS, ADENOMATOUS INTESTINAL. Identifiers: MedGen C2713442, MONDO:0021056, OMIM 175100. Disease mechanism: loss of function.

Submission:

Labcorp Genetics (formerly Invitae), Labcorp
Classification: Uncertain significance for Familial adenomatous polyposis 1. Last evaluated: 2021-04-04. Review status: criteria provided, single submitter. Criteria: Invitae Variant Classification Sherloc (09022015). Collection method: clinical testing. Allele origin: germline.
Comment: This variant has been observed in an individual affected with multiple adenomas (PMID: 9669663). Algorithms developed to predict the effect of missense changes on protein structure and function are either unavailable or do not agree on the potential impact of this missense change (SIFT: "Deleterious"; PolyPhen-2: "Probably Damaging"; Align-GVGD: "Class C0"). This variant is not present in population databases (ExAC no frequency). This sequence change replaces alanine with valine at codon 2119 of the APC protein (p.Ala2119Val). The alanine residue is highly conserved and there is a small physicochemical difference between alanine and valine. In summary, the available evidence is currently insufficient to determine the role of this variant in disease. Therefore, it has been classified as a Variant of Uncertain Significance.

Literature cited by the submitters: PubMed 9669663.

NM_000038.6(APC):c.6356C>T (p.Ala2119Val)

Gene: APC (APC regulator of Wnt signaling pathway; plus strand). Cytogenetic location: 5q22.2.
Variant type: single nucleotide variant.
Coding change: c.6356C>T on transcript NM_000038.6 (MANE Select); coding-DNA position 6356, C replaced by T.
Protein change: p.Ala2119Val; replaces alanine 2119 with valine.
Molecular consequence: missense variant.
Genome position (GRCh38, 1-based): chr5:112,841,950, C>T. VCF-style: chr5-112841950-C-T. GRCh37 (hg19) VCF-style: chr5-112177647-C-T.
Other names: c.6356C>T, p.Ala2119Val (NM_001127510.3, NM_001354895.2); c.6302C>T, p.Ala2101Val (NM_001127511.3); c.6410C>T, p.Ala2137Val (NM_001354896.2); c.6386C>T, p.Ala2129Val (NM_001354897.2); c.6281C>T, p.Ala2094Val (NM_001354898.2); c.6272C>T, p.Ala2091Val (NM_001354899.2); c.6233C>T, p.Ala2078Val (NM_001354900.2); c.6179C>T, p.Ala2060Val (NM_001354901.2); and 5 more; short protein forms A1836V, A1993V, A2018V, A2078V, A2094V, A2137V, A1959V, A2060V.
Identifiers: ClinVar variation 947724 (VCV000947724.11), dbSNP rs1766194519, ClinGen allele CA16035254.
Genomic context (GRCh38, chr5:112,841,950, plus strand): 5'-TTGATTGGAAAGCTATTCAGGAAGGTGCAAATTCCATAGTAAGTAGTTTACATCAAGCTG[C>T]TGCTGCTGCATGTTTATCTAGACAAGCTTCGTCTGATTCAGATTCCATCCTTTCCCTGAA-3'
Protein context (NP_000029.2, residues 2109-2129): NSIVSSLHQA[Ala2119Val]AAACLSRQAS